The following is an entry in ClinVar:

NC_000001.11:g.(?_45329300)_(45330563_?)del

Gene: MUTYH (mutY DNA glycosylase; minus strand). Cytogenetic location: 1p34.1.
Variant type: Deletion.
Identifiers: ClinVar variation 464672 (VCV000464672.6).

ClinVar aggregate classification (germline): Likely pathogenic (1 of 4 stars; one submission).

Conditions:
Familial adenomatous polyposis 2. Also called: COLORECTAL ADENOMATOUS POLYPOSIS, AUTOSOMAL RECESSIVE; ADENOMAS, MULTIPLE COLORECTAL, AUTOSOMAL RECESSIVE; MUTYH-associated polyposis; FAP type 2; MUTYH-related attenuated familial adenomatous polyposis; Adenomas, multiple colorectal. Identifiers: Orphanet 220460, Orphanet 247798, MedGen C3272841, MONDO:0012041, OMIM 608456.

Submission:

Labcorp Genetics (formerly Invitae), Labcorp
Classification: Likely pathogenic for Familial adenomatous polyposis 2. Last evaluated: 2021-08-04. Review status: criteria provided, single submitter. Criteria: Invitae Variant Classification Sherloc (09022015). Collection method: clinical testing. Allele origin: germline.
Comment: This variant is a gross deletion of the genomic region encompassing exon(s) 15-16 of the MUTYH gene. The 5' boundary is likely confined to intron 14. The 3' end of this event is unknown as it extends through the termination codon beyond the assayed region for this gene and may encompass additional genes. While this deletion is not anticipated to lead to nonsense mediated decay, it is expected to alter mRNA translation or result in a truncated protein product. This variant has not been reported in the literature in individuals affected with MUTYH-related conditions. This variant disrupts the p.Val493 amino acid residue in MUTYH. Other variant(s) that disrupt this residue have been determined to be pathogenic (PMID: 17949294, 25820570). This suggests that this residue is clinically significant, and that variants that disrupt this residue are likely to be disease-causing. In summary, the currently available evidence indicates that the variant is pathogenic, but additional data are needed to prove that conclusively. Therefore, this variant has been classified as Likely Pathogenic.

Literature cited by the submitters: PubMed 17949294; PubMed 25820570.